The following is an entry in ClinVar:

NM_000434.4(NEU1):c.914G>A (p.Arg305His)

Gene: NEU1 (neuraminidase 1; minus strand). Cytogenetic location: 6p21.33.
Variant type: single nucleotide variant.
Coding change: c.914G>A on transcript NM_000434.4 (MANE Select); coding-DNA position 914, G replaced by A.
Protein change: p.Arg305His; replaces arginine 305 with histidine.
Molecular consequence: missense variant.
Genome position (GRCh38, 1-based): chr6:31,860,149, C>T on the plus strand (G>A on the coding strand, the complement: NEU1 is on the minus strand). VCF-style: chr6-31860149-C-T. GRCh37 (hg19) VCF-style: chr6-31827926-C-T.
Other names: short protein forms R305H.
Identifiers: ClinVar variation 809894 (VCV000809894.44), dbSNP rs774362886, ClinGen allele CA3724923.
Genomic context (GRCh38, chr6:31,860,149, plus strand): 5'-GTGACTACAGCTCCTGCAGCTACCACAGGGTCCACGAGCTCAGGGTCGAAGGTCACATCA[C>T]GGGGCCTTAGTGTATCACAGGCATCATAGCTGCGGAGGACAATTCGGCAGTGGCAGTGGT-3'
Protein context (NP_000425.1, residues 295-315): SYDACDTLRP[Arg305His]DVTFDPELVD

ClinVar aggregate classification (germline): Uncertain significance. Review status: criteria provided, multiple submitters, no conflicts (2 of 4 stars). 3 submissions from 3 submitters: Uncertain significance (3). Last evaluated 2023-02-23.

Conditions:
Sialidosis type 2. Also called: CHERRY RED SPOT--MYOCLONUS SYNDROME; ML I; NEU DEFICIENCY; NEUG DEFICIENCY; NEURAMINIDASE 1 DEFICIENCY; Mucolipidosis type 1. Identifiers: Orphanet 812, Orphanet 87876, MedGen C4282398, MONDO:0009738, OMIM 256550.

Allele frequency attached by ClinVar (database versions not stated): gnomAD 0.00001; gnomAD exomes 0.00001 and 0.00002; TOPMed 0.00001; ExAC 0.00003.
gnomAD v4.1: 19 of 1,612,886 alleles (0.0012%); highest among the groups gnomAD compares: Admixed American, 0.0067%; no homozygotes.

Submissions (3):

3billion
Classification: Uncertain significance for Sialidosis type 2. Last evaluated: 2023-02-23. Review status: criteria provided, single submitter. Criteria: ACMG Guidelines, 2015. Collection method: clinical testing. Allele origin: unknown. Affected: yes.
Comment: The variant is observed at an extremely low frequency in the gnomAD v2.1.1 dataset (total allele frequency: 0.002%). In silico tool predictions suggest damaging effect of the variant on gene or gene product (REVEL: 0.75; 3Cnet: 0.72). Same nucleotide change resulting in same amino acid change has been previously reported to be associated with NEU1 related disorder (PMID: 25401298). Different missense changes at the same codon (p.Arg305Cys, p.Arg305Pro) have been reported to be associated with NEU1 related disorder (PMID: 24808020, 33121223). However the evidence of pathogenicity is insufficient at this time. Therefore, this variant is classified as VUS according to the recommendation of ACMG/AMP guideline.

Women's Health and Genetics/Laboratory Corporation of America, LabCorp
Classification: Uncertain significance. Last evaluated: 2022-06-07. Review status: criteria provided, single submitter. Criteria: LabCorp Variant Classification Summary - May 2015. Collection method: clinical testing. Allele origin: germline.
Comment: Variant summary: NEU1 c.914G>A (p.Arg305His) results in a non-conservative amino acid change located in the Sialidase domain (IPR011040) of the encoded protein sequence. Three of five in-silico tools predict a benign effect of the variant on protein function. The variant allele was found at a frequency of 1.6e-05 in 246548 control chromosomes (gnomAD). The available data on variant occurrences in the general population are insufficient to allow any conclusion about variant significance. c.914G>A has been reported in the literature in an individual affected with Sialidosis (Muona_2015, Yavuz_2016). These data do not allow any conclusion about variant significance. To our knowledge, no experimental evidence demonstrating an impact on protein function has been reported. One clinical diagnostic laboratory has submitted clinical-significance assessments for this variant to ClinVar after 2014 and classified the variant as uncertain significance. Based on the evidence outlined above, the variant was classified as uncertain significance.

CeGaT Center for Human Genetics Tuebingen
Classification: Uncertain significance. Last evaluated: 2016-06-01. Review status: criteria provided, single submitter. Criteria: CeGaT Center For Human Genetics Tuebingen Variant Classification Criteria Version 2. Collection method: clinical testing. Allele origin: germline. Affected: yes. Observed: 1 variant allele.

Literature cited by the submitters: PubMed 33121223 (cited by 3billion); PubMed 25401298 (cited by 3billion and Women's Health and Genetics/Laboratory Corporation of America, LabCorp); PubMed 24808020 (cited by 3billion).